The following is an entry in ClinVar:

ClinVar aggregate classification (germline): Uncertain significance (1 of 4 stars; one submission).

Allele frequency attached by ClinVar (database versions not stated): TOPMed 0.00002.
gnomAD v4.1: 3 of 1,211,575 alleles (0.00025%); highest among the groups gnomAD compares: Admixed American, 0.0065%; no homozygotes.

Submission:

ARUP Laboratories, Molecular Genetics and Genomics, ARUP Laboratories
Classification: Uncertain significance. Last evaluated: 2022-09-13. Review status: criteria provided, single submitter. Criteria: ARUP Molecular Germline Variant Investigation Process 2021. Collection method: clinical testing. Allele origin: germline.
Comment: The F8 c.6653T>A; p.Met2218Lys variant (rs1376267823), to our knowledge is not reported in the medical literature or gene specific databases. This variant is only reported in two alleles from the Genome Aggregation Database, indicating it is not a common polymorphism. The methionine at codon 2218 is highly conserved, but computational analyses are uncertain whether this variant is neutral or deleterious (REVEL: 0.333). Another variant at this codon, p.Met2218Val, also known as Met2199Val, has been reported in an individual with severe hemophilia (Santacroce 2008). Due to limited information, the clinical significance of the p.Met2218Lys variant is uncertain at this time. References: Santacroce R et al. Identification of 217 unreported mutations in the F8 gene in a group of 1,410 unselected Italian patients with hemophilia A. J Hum Genet. 2008;53(3):275-284. PMID: 18217193

NM_000132.4(F8):c.6653T>A (p.Met2218Lys)

Gene: F8 (coagulation factor VIII; minus strand). Cytogenetic location: Xq28.
Variant type: single nucleotide variant.
Coding change: c.6653T>A on transcript NM_000132.4 (MANE Select); coding-DNA position 6653, T replaced by A.
Protein change: p.Met2218Lys; replaces methionine 2218 with lysine.
Molecular consequence: missense variant.
Genome position (GRCh38, 1-based): chrX:154,861,788, A>T on the plus strand (T>A on the coding strand, the complement: F8 is on the minus strand). VCF-style: chrX-154861788-A-T. GRCh37 (hg19) VCF-style: chrX-154090063-A-T.
Other names: c.248T>A, p.Met83Lys (NM_019863.3); short protein forms M2218K, M83K.
Identifiers: ClinVar variation 2428546 (VCV002428546.3), dbSNP rs1376267823, ClinGen allele CA414905689.
Genomic context (GRCh38, chrX:154,861,788, plus strand): 5'-CAGGCATTACTCCTCCCTTGGAGGTGAAGTCGAGCTTTTGAAGGAGACCAGGTGGCAAAC[A>T]TATTGGTAAAGTAGGATGAAGCAGTAATCTGTGCATCTGATATTGCTTTACTCTCCATTC-3'
Protein context (NP_000123.1, residues 2208-2228): QITASSYFTN[Met2218Lys]FATWSPSKAR